The following is an entry in ClinVar:

ClinVar aggregate classification (germline): Conflicting classifications of pathogenicity. Review status: criteria provided, conflicting classifications (1 of 4 stars). 2 submissions from 2 submitters: Uncertain significance (1); Likely benign (1). Last evaluated 2026-02-03.

Conditions:
Hereditary cancer-predisposing syndrome. Also called: Neoplastic Syndromes, Hereditary; Hereditary neoplastic syndrome; Hereditary Cancer Syndrome; Tumor predisposition. Identifiers: Orphanet 140162, MedGen C0027672, MeSH D009386, MONDO:0015356.
Gastrointestinal stromal tumor. Also called: Gastrointestinal stromal tumor, somatic; Gastrointestinal stroma tumor. Identifiers: Orphanet 44890, MedGen C0238198, MeSH D046152, MONDO:0011719, OMIM 606764, HP:0100723.

gnomAD v4.1: 24 of 1,614,166 alleles (0.0015%); highest among the groups gnomAD compares: Non-Finnish European, 0.00042%; no homozygotes.

Submissions (2):

Labcorp Genetics (formerly Invitae), Labcorp
Classification: Likely benign for Gastrointestinal stromal tumor. Last evaluated: 2026-02-03. Review status: criteria provided, single submitter. Criteria: Invitae Variant Classification Sherloc (09022015). Collection method: clinical testing. Allele origin: germline.

Ambry Genetics
Classification: Uncertain significance for Hereditary cancer-predisposing syndrome. Last evaluated: 2024-12-31. Review status: criteria provided, single submitter. Criteria: Ambry Variant Classification Scheme 2023. Collection method: clinical testing. Allele origin: germline.
Comment: The p.K999N variant (also known as c.2997G>C), located in coding exon 21 of the PDGFRA gene, results from a G to C substitution at nucleotide position 2997. The lysine at codon 999 is replaced by asparagine, an amino acid with similar properties. This amino acid position is highly conserved in available vertebrate species. In addition, this alteration is predicted to be tolerated by in silico analysis. Based on the available evidence, the clinical significance of this variant remains unclear.

NM_006206.6(PDGFRA):c.2997G>C (p.Lys999Asn)

Gene: PDGFRA (platelet derived growth factor receptor alpha; plus strand). Cytogenetic location: 4q12.
Variant type: single nucleotide variant.
Coding change: c.2997G>C on transcript NM_006206.6 (MANE Select); coding-DNA position 2997, G replaced by C.
Protein change: p.Lys999Asn; replaces lysine 999 with asparagine.
Molecular consequence: missense variant.
Genome position (GRCh38, 1-based): chr4:54,290,429, G>C. VCF-style: chr4-54290429-G-C. GRCh37 (hg19) VCF-style: chr4-55156596-G-C.
Other names: c.3072G>C, p.Lys1024Asn (NM_001347828.2); c.2997G>C, p.Lys999Asn (NM_001347829.2); c.3036G>C, p.Lys1012Asn (NM_001347830.2); short protein forms K999N, K1012N, K1024N.
Identifiers: ClinVar variation 240339 (VCV000240339.13), dbSNP rs772463000, ClinGen allele CA2923011.